The following is an entry in ClinVar:

ClinVar aggregate classification (germline): Uncertain significance. Review status: criteria provided, multiple submitters, no conflicts (2 of 4 stars). 2 submissions from 2 submitters: Uncertain significance (2). Last evaluated 2025-10-02.

Conditions:
Inborn genetic diseases. Identifiers: MedGen C0950123, MeSH D030342.

Allele frequency attached by ClinVar (database versions not stated): ExAC 0.00005; gnomAD 0.00007; ESP Exome Variant Server 0.00008; TOPMed 0.00008; gnomAD exomes 0.00014.
gnomAD v4.1: 208 of 1,613,836 alleles (0.013%); highest among the groups gnomAD compares: Non-Finnish European, 0.017%; no homozygotes.

Submissions (2):

Labcorp Genetics (formerly Invitae), Labcorp
Classification: Uncertain significance. Last evaluated: 2025-10-02. Review status: criteria provided, single submitter. Criteria: Invitae Variant Classification Sherloc (09022015). Collection method: clinical testing. Allele origin: germline.
Comment: This sequence change replaces methionine, which is neutral and non-polar, with valine, which is neutral and non-polar, at codon 97 of the NDUFA9 protein (p.Met97Val). This variant is present in population databases (rs146661759, gnomAD 0.02%). This variant has not been reported in the literature in individuals affected with NDUFA9-related conditions. ClinVar contains an entry for this variant (Variation ID: 2043989). An algorithm developed to predict the effect of missense changes on protein structure and function (PolyPhen-2) suggests that this variant is likely to be disruptive. In summary, the available evidence is currently insufficient to determine the role of this variant in disease. Therefore, it has been classified as a Variant of Uncertain Significance.

Ambry Genetics
Classification: Uncertain significance for Inborn genetic diseases. Last evaluated: 2024-08-28. Review status: criteria provided, single submitter. Criteria: Ambry Variant Classification Scheme 2023. Collection method: clinical testing. Allele origin: germline.

NM_005002.5(NDUFA9):c.289A>G (p.Met97Val)

Gene: NDUFA9 (NADH:ubiquinone oxidoreductase subunit A9; plus strand). Cytogenetic location: 12p13.32.
Variant type: single nucleotide variant.
Coding change: c.289A>G on transcript NM_005002.5 (MANE Select); coding-DNA position 289, A replaced by G.
Protein change: p.Met97Val; replaces methionine 97 with valine.
Molecular consequence: missense variant.
Genome position (GRCh38, 1-based): chr12:4,654,893, A>G. VCF-style: chr12-4654893-A-G. GRCh37 (hg19) VCF-style: chr12-4764059-A-G.
Other names: short protein forms M97V.
Identifiers: ClinVar variation 2043989 (VCV002043989.5), dbSNP rs146661759, ClinGen allele CA6398043.